The following is an entry in ClinVar:

NM_001077706.3(ECT2L):c.1709T>C (p.Val570Ala)

Gene: ECT2L (epithelial cell transforming 2 like; plus strand). Cytogenetic location: 6q24.1.
Variant type: single nucleotide variant.
Coding change: c.1709T>C on transcript NM_001077706.3 (MANE Select); coding-DNA position 1709, T replaced by C.
Protein change: p.Val570Ala; replaces valine 570 with alanine.
Molecular consequence: missense variant.
Genome position (GRCh38, 1-based): chr6:138,881,000, T>C. VCF-style: chr6-138881000-T-C. GRCh37 (hg19) VCF-style: chr6-139202137-T-C.
Other names: c.1709T>C, p.Val570Ala (NM_001195037.2); short protein forms V570A.
Identifiers: ClinVar variation 133996 (VCV000133996.25), dbSNP rs138935097, ClinGen allele CA158368.

ClinVar aggregate classification (germline): Likely benign. Review status: criteria provided, single submitter (1 of 4 stars). 2 submissions from 2 submitters: Likely benign (1). 1 of the submissions does not count toward it. Last evaluated 2022-12-01.

Allele frequency attached by ClinVar (database versions not stated): 1000 Genomes Project 0.00140; 1000 Genomes Project 30x 0.00187; ExAC 0.00392; gnomAD exomes 0.00421 and 0.00724; gnomAD 0.00468 and 0.00495; TOPMed 0.00498; ESP Exome Variant Server 0.00504.
gnomAD v4.1: 11,241 of 1,613,934 alleles (0.7%); highest among the groups gnomAD compares: Non-Finnish European, 0.87%; 53 homozygotes.

Submissions (2):

CeGaT Center for Human Genetics Tuebingen
Classification: Likely benign. Last evaluated: 2022-12-01. Review status: criteria provided, single submitter. Criteria: CeGaT Center For Human Genetics Tuebingen Variant Classification Criteria Version 2. Collection method: clinical testing. Allele origin: germline. Affected: yes. Observed: 1 variant allele.
Comment: ECT2L: BP4, BS2

ITMI
No classification provided. Condition: AllHighlyPenetrant. Last evaluated: 2013-09-19. Review status: no classification provided. Collection method: reference population. Allele origin: germline. Not counted in ClinVar's aggregate classification.
Comment: Please see associated publication for description of ethnicities

Literature cited by the submitters: PubMed 24728327 (cited by ITMI).